The following is an entry in ClinVar:

NM_001673.5(ASNS):c.692_693del (p.Val231fs)

Genes: ASNS (asparagine synthetase (glutamine-hydrolyzing); minus strand), CZ1P-ASNS (CZ1P-ASNS readthrough; minus strand). Cytogenetic location: 7q21.3.
Variant type: Microsatellite.
Coding change: c.692_693del on transcript NM_001673.5 (MANE Select); coding-DNA positions 692 to 693, 2 bases deleted (TG; older notation c.692_693delTG).
Protein change: p.Val231fs; shifts the reading frame from valine 231.
Molecular consequence: frameshift variant. On other transcripts: non-coding transcript variant (1).
Genome position (GRCh38, 1-based): chr7:97,858,936-97,858,937, CA deleted on the plus strand (TG on the coding strand, the reverse complement: ASNS is on the minus strand); deleting any 2 consecutive bases within chr7:97,858,936-97,858,939 gives the same sequence; the c. name uses the placement nearest the transcript's 3' end. VCF-style (leftmost placement, unchanged base first): chr7-97858935-TCA-T. GRCh37 (hg19) VCF-style: chr7-97488247-TCA-T.
Other names: c.629_630del, p.Val210fs (NM_001178075.2); c.443_444del, p.Val148fs (NM_001178076.2, NM_001178077.1); c.692_693del, p.Val231fs (NM_001352496.2, NM_133436.3, NM_183356.4); short protein forms V231fs, V148fs, V210fs.
Identifiers: ClinVar variation 1382912 (VCV001382912.6), dbSNP rs2115655242, ClinGen allele CA2580615944.

ClinVar aggregate classification (germline): Pathogenic (1 of 4 stars; one submission).

Submission:

Labcorp Genetics (formerly Invitae), Labcorp
Classification: Pathogenic. Last evaluated: 2022-02-05. Review status: criteria provided, single submitter. Criteria: Invitae Variant Classification Sherloc (09022015). Collection method: clinical testing. Allele origin: germline.
Comment: This variant is not present in population databases (gnomAD no frequency). For these reasons, this variant has been classified as Pathogenic. This variant has not been reported in the literature in individuals affected with ASNS-related conditions. This sequence change creates a premature translational stop signal (p.Val231Glufs*9) in the ASNS gene. It is expected to result in an absent or disrupted protein product. Loss-of-function variants in ASNS are known to be pathogenic (PMID: 27422383, 30057589).

Literature cited by the submitters: PubMed 27422383; PubMed 30057589.